The following is an entry in ClinVar:

NM_002471.4(MYH6):c.3573dup (p.Ala1192fs)

Gene: MYH6 (myosin heavy chain 6; minus strand). Cytogenetic location: 14q11.2.
Variant type: Duplication.
Coding change: c.3573dup on transcript NM_002471.4 (MANE Select); coding-DNA position 3573, one base duplicated (C; older notation c.3573dupC).
Protein change: p.Ala1192fs; shifts the reading frame from alanine 1192.
Molecular consequence: frameshift variant.
Genome position (GRCh38, 1-based): chr14:23,390,216, G duplicated on the plus strand (C on the coding strand, the reverse complement: MYH6 is on the minus strand); the first of 2 consecutive G bases (chr14:23,390,216-23,390,217); duplicating either gives the same sequence. VCF-style (leftmost placement, unchanged base first): chr14-23390215-C-CG. GRCh37 (hg19) VCF-style: chr14-23859424-C-CG.
Other names: c.3573dup (NM_002471.3); short protein forms A1192fs.
Identifiers: ClinVar variation 1057557 (VCV001057557.9), dbSNP rs2138592836, ClinGen allele CA485764986.

ClinVar aggregate classification (germline): Uncertain significance. Review status: criteria provided, multiple submitters, no conflicts (2 of 4 stars). 3 submissions from 3 submitters: Uncertain significance (3). Last evaluated 2024-05-28.

Conditions:
Hypertrophic cardiomyopathy 14. Identifiers: MedGen C2750467, MONDO:0013197, OMIM 613251.

Submissions (3):

GeneDx
Classification: Uncertain significance. Last evaluated: 2024-05-28. Review status: criteria provided, single submitter. Criteria: GeneDx Variant Classification Process June 2021. Collection method: clinical testing. Allele origin: germline. Affected: yes.
Comment: Not observed at significant frequency in large population cohorts (gnomAD); Frameshift variant predicted to result in protein truncation or nonsense mediated decay in a gene or region of a gene for which loss of function is not a well-established mechanism of disease; Has not been previously published as pathogenic or benign to our knowledge

Blueprint Genetics
Classification: Uncertain significance. Last evaluated: 2023-11-22. Review status: criteria provided, single submitter. Criteria: ACMG Guidelines, 2015. Collection method: clinical testing. Allele origin: germline.

Labcorp Genetics (formerly Invitae), Labcorp
Classification: Uncertain significance for Hypertrophic cardiomyopathy 14. Last evaluated: 2021-07-19. Review status: criteria provided, single submitter. Criteria: Invitae Variant Classification Sherloc (09022015). Collection method: clinical testing. Allele origin: germline.
Comment: In summary, the available evidence is currently insufficient to determine the role of this variant in disease. Therefore, it has been classified as a Variant of Uncertain Significance. The current clinical and genetic evidence is not sufficient to establish whether loss-of-function variants in MYH6 cause disease. This variant has not been reported in the literature in individuals with MYH6-related conditions. This variant is not present in population databases (ExAC no frequency). This sequence change creates a premature translational stop signal (p.Ala1192Argfs*41) in the MYH6 gene. It is expected to result in an absent or disrupted protein product.